The following is an entry in ClinVar:

ClinVar aggregate classification (germline): Likely pathogenic (1 of 4 stars; one submission).

Conditions:
Dilated cardiomyopathy 1G (CMD1G). Identifiers: Orphanet 154, MedGen C1858763, MONDO:0011400, OMIM 604145.
Autosomal recessive limb-girdle muscular dystrophy type 2J (LGMDR10). Also called: MUSCULAR DYSTROPHY, LIMB-GIRDLE, AUTOSOMAL RECESSIVE 10; Limb-girdle muscular dystrophy, type 2J. Identifiers: Orphanet 140922, MedGen C1837342, MONDO:0012127, OMIM 608807.

Submission:

Labcorp Genetics (formerly Invitae), Labcorp
Classification: Likely pathogenic for Dilated cardiomyopathy 1G; Autosomal recessive limb-girdle muscular dystrophy type 2J. Last evaluated: 2024-11-04. Review status: criteria provided, single submitter. Criteria: Invitae Variant Classification Sherloc (09022015). Collection method: clinical testing. Allele origin: germline.
Comment: This sequence change affects an acceptor splice site in intron 60 of the TTN gene. It is expected to disrupt RNA splicing and likely results in a truncated or disrupted TTN protein. This variant is not present in population databases (gnomAD no frequency). Disruption of this splice site has been observed in individual(s) with clinical features of congenital myopathy (PMID: 33333461). ClinVar contains an entry for this variant (Variation ID: 1506589). Algorithms developed to predict the effect of sequence changes on RNA splicing suggest that this variant may disrupt the consensus splice site. This variant is located in the I band of TTN (PMID: 25589632). Truncating variants in this region have been reported in individuals affected with autosomal recessive centronuclear myopathy (PMID: 23975875, internal data). Truncating variants in this region have also been identified in individuals affected with autosomal dominant dilated cardiomyopathy and/or cardio-related conditions (PMID: 27869827, 32964742, internal data). In summary, the currently available evidence indicates that the variant is pathogenic, but additional data are needed to prove that conclusively. Therefore, this variant has been classified as Likely Pathogenic.

Literature cited by the submitters: PubMed 33333461; PubMed 25589632; PubMed 23975875; PubMed 27869827; PubMed 32964742.

NM_001267550.2(TTN):c.17741-1G>A

Gene: TTN (titin; minus strand). Cytogenetic location: 2q31.2.
Variant type: single nucleotide variant.
Coding change: c.17741-1G>A on transcript NM_001267550.2 (MANE Select); the canonical splice acceptor site of the intron before coding-DNA position 17741, G replaced by A.
Molecular consequence: splice acceptor variant. On other transcripts: intron variant (3).
Genome position (GRCh38, 1-based): chr2:178,730,793, C>T on the plus strand (G>A on the coding strand, the complement: TTN is on the minus strand). VCF-style: chr2-178730793-C-T. GRCh37 (hg19) VCF-style: chr2-179595520-C-T.
Other names: c.13282+7289G>A (NM_003319.4); c.13858+7289G>A (NM_133437.4); c.13657+7289G>A (NM_133432.3); c.14009-1G>A (NM_133378.4); c.16790-1G>A (NM_001256850.1).
Identifiers: ClinVar variation 1506589 (VCV001506589.6), dbSNP rs2154308493, ClinGen allele CA349569940.